The following is an entry in ClinVar:

ClinVar aggregate classification (germline): Benign/Likely benign. Review status: criteria provided, multiple submitters, no conflicts (2 of 4 stars). 3 submissions from 3 submitters: Benign (1); Likely benign (2). Last evaluated 2025-02-24.

Conditions:
Hereditary cancer-predisposing syndrome. Also called: Hereditary Cancer Syndrome; Neoplastic Syndromes, Hereditary; Tumor predisposition; Hereditary neoplastic syndrome. Identifiers: Orphanet 140162, MedGen C0027672, MeSH D009386, MONDO:0015356.
Breast-ovarian cancer, familial, susceptibility to, 4. Identifiers: Orphanet 145, MedGen C3280345, MONDO:0013669, OMIM 614291.

Submissions (3):

Myriad Genetics, Inc.
Classification: Benign for Breast-ovarian cancer, familial, susceptibility to, 4. Last evaluated: 2025-02-24. Review status: criteria provided, single submitter. Criteria: Myriad Autosomal Dominant, Autosomal Recessive and X-Linked Classification Criteria (2023). Collection method: clinical testing. Allele origin: unknown.
Comment: This variant is considered benign. This variant is a silent/synonymous amino acid change and it is not expected to impact splicing.

Labcorp Genetics (formerly Invitae), Labcorp
Classification: Likely benign for Breast-ovarian cancer, familial, susceptibility to, 4. Last evaluated: 2024-09-30. Review status: criteria provided, single submitter. Criteria: Invitae Variant Classification Sherloc (09022015). Collection method: clinical testing. Allele origin: germline.

Ambry Genetics
Classification: Likely benign for Hereditary cancer-predisposing syndrome. Last evaluated: 2021-11-23. Review status: criteria provided, single submitter. Criteria: Ambry Variant Classification Scheme 2023. Collection method: clinical testing. Allele origin: germline.

NM_002878.4(RAD51D):c.489T>C (p.Ala163=)

Genes: RAD51D (RAD51 paralog D; minus strand), RAD51L3-RFFL (RAD51L3-RFFL readthrough; minus strand). Cytogenetic location: 17q12.
Variant type: single nucleotide variant.
Coding change: c.489T>C on transcript NM_002878.4 (MANE Select); coding-DNA position 489, T replaced by C.
Protein change: p.Ala163=; no amino-acid change (alanine 163 retained).
Molecular consequence: synonymous variant. On other transcripts: non-coding transcript variant (3).
Genome position (GRCh38, 1-based): chr17:35,106,473, A>G on the plus strand (T>C on the coding strand, the complement: RAD51D is on the minus strand). VCF-style: chr17-35106473-A-G. GRCh37 (hg19) VCF-style: chr17-33433492-A-G.
Other names: c.549T>C, p.Ala183= (NM_001142571.2); c.153T>C, p.Ala51= (NM_133629.3).
Identifiers: ClinVar variation 1743918 (VCV001743918.5), dbSNP rs2142429662, ClinGen allele CA499731616.
Genomic context (GRCh38, chr17:35,106,473, plus strand): 5'-CTGCAGCACATCCAGCATCTGGAAGATGTCAAATGCATGCACCACCTGGATCCTCCGGAG[A>G]GCTTCTGCCTGAAGCGGTGGAAAAGAAAAGCAAGGACTTTGGATAAGAGGGAGTAGGGGG-3'
Protein context (NP_002869.3, residues 153-173): KTQDEEEQAE[Ala163=]LRRIQVVHAF